The following is an entry in ClinVar:

ClinVar aggregate classification (germline): Likely pathogenic (1 of 4 stars; one submission).

Allele frequency attached by ClinVar (database versions not stated): gnomAD exomes below 0.00001.
gnomAD v4.1: 3 of 1,593,254 alleles (0.00019%); highest among the groups gnomAD compares: Admixed American, 0.0017%; no homozygotes.

Submission:

Labcorp Genetics (formerly Invitae), Labcorp
Classification: Likely pathogenic. Last evaluated: 2022-07-04. Review status: criteria provided, single submitter. Criteria: Invitae Variant Classification Sherloc (09022015). Collection method: clinical testing. Allele origin: germline.
Comment: This sequence change affects a donor splice site in intron 3 of the TOP3A gene. It is expected to disrupt RNA splicing. Variants that disrupt the donor or acceptor splice site typically lead to a loss of protein function (PMID: 16199547), and loss-of-function variants in TOP3A are known to be pathogenic (PMID: 30057030). This variant is not present in population databases (gnomAD no frequency). In summary, the currently available evidence indicates that the variant is pathogenic, but additional data are needed to prove that conclusively. Therefore, this variant has been classified as Likely Pathogenic. Algorithms developed to predict the effect of sequence changes on RNA splicing suggest that this variant may disrupt the consensus splice site. This variant has not been reported in the literature in individuals affected with TOP3A-related conditions.

Literature cited by the submitters: PubMed 16199547; PubMed 30057030.

NM_004618.5(TOP3A):c.314+1G>A

Gene: TOP3A (DNA topoisomerase III alpha; minus strand). Cytogenetic location: 17p11.2.
Variant type: single nucleotide variant.
Coding change: c.314+1G>A on transcript NM_004618.5 (MANE Select); the canonical splice donor site of the intron after coding-DNA position 314, G replaced by A.
Molecular consequence: splice donor variant. On other transcripts: intron variant (1).
Genome position (GRCh38, 1-based): chr17:18,308,350, C>T on the plus strand (G>A on the coding strand, the complement: TOP3A is on the minus strand). VCF-style: chr17-18308350-C-T. GRCh37 (hg19) VCF-style: chr17-18211664-C-T.
Other names: c.29+532G>A (NM_001320759.2).
Identifiers: ClinVar variation 1976108 (VCV001976108.5), dbSNP rs1296511709, ClinGen allele CA398641731.
Genomic context (GRCh38, chr17:18,308,350, plus strand): 5'-TCCTGTGAAATTTCACAACTTACTATAATCTGAAAGTCCTTCCCTTGAGAATTGTACTGA[C>T]CATTTTCGAAACTGCATCTGGAAATCATGAGCCAGTAAATGTCCAGAAACTGAAGTCATT-3'